The following is an entry in ClinVar:

ClinVar aggregate classification (germline): Uncertain significance. Review status: criteria provided, multiple submitters, no conflicts (2 of 4 stars). 8 submissions from 8 submitters: Uncertain significance (8). Last evaluated 2026-05-26.

Conditions:
Cardiovascular phenotype. Identifiers: MedGen CN230736.
Arrhythmogenic cardiomyopathy with wooly hair and keratoderma. Also called: PALMOPLANTAR KERATODERMA WITH LEFT VENTRICULAR CARDIOMYOPATHY AND WOOLLY HAIR; Arrhythmogenic cardiomyopathy with woolly hair and keratoderma; Dilated cardiomyopathy with woolly hair and keratoderma; Carvajal syndrome. Identifiers: Orphanet 65282, MedGen C1854063, MONDO:0011581, OMIM 605676.
Arrhythmogenic right ventricular dysplasia 8 (ARVD8). Also called: Arrhythmogenic Right Ventricular Dysplasia/Cardiomyopathy 8; ARRHYTHMOGENIC RIGHT VENTRICULAR DYSPLASIA, FAMILIAL, 8; ARRHYTHMOGENIC RIGHT VENTRICULAR CARDIOMYOPATHY 8. Identifiers: MedGen C1843896, MONDO:0011831, OMIM 607450.
Cardiomyopathy (CMYO). Also called: Cardiomyopathies. Identifiers: Orphanet 167848, MedGen C0878544, MONDO:0004994, HP:0001638. Inheritance: Various modes of inheritance.
Cardiomyopathy, dilated, with wooly hair, keratoderma, and tooth agenesis. Also called: Cardiomyopathy, dilated, with woolly hair, keratoderma, and tooth agenesis; Erythrokeratodermia-cardiomyopathy syndrome. Identifiers: Orphanet 476096, Orphanet 65282, MedGen C4014393, MONDO:0014355, OMIM 615821.
Woolly hair-skin fragility syndrome (WHSF). Identifiers: Orphanet 293165, MedGen C1843292, MONDO:0957307, OMIM 620415.
Lethal acantholytic epidermolysis bullosa (EBLA). Identifiers: Orphanet 158687, MedGen C1864826, MONDO:0012323, OMIM 609638.
Keratosis palmoplantaris striata 2. Also called: Keratosis palmoplantaris striata II; KERATODERMA, PALMOPLANTAR, STRIATE FORM II; STRIATE PALMOPLANTAR KERATODERMA II. Identifiers: MedGen C1852127, MONDO:0013034, OMIM 612908.

Allele frequency attached by ClinVar (database versions not stated): TOPMed 0.00001.
gnomAD v4.1: 9 of 1,614,052 alleles (0.00056%); highest among the groups gnomAD compares: Non-Finnish European, 0.000085%; no homozygotes.

Submissions (8):

Ambry Genetics
Classification: Uncertain significance for Cardiovascular phenotype. Last evaluated: 2026-05-26. Review status: criteria provided, single submitter. Criteria: Ambry Variant Classification Scheme 2023. Collection method: clinical testing. Allele origin: germline.

Labcorp Genetics (formerly Invitae), Labcorp
Classification: Uncertain significance for Arrhythmogenic cardiomyopathy with wooly hair and keratoderma; Arrhythmogenic right ventricular dysplasia 8. Last evaluated: 2024-11-26. Review status: criteria provided, single submitter. Criteria: Invitae Variant Classification Sherloc (09022015). Collection method: clinical testing. Allele origin: germline.
Comment: This sequence change replaces threonine, which is neutral and polar, with isoleucine, which is neutral and non-polar, at codon 1524 of the DSP protein (p.Thr1524Ile). This variant is not present in population databases (gnomAD no frequency). This variant has not been reported in the literature in individuals affected with DSP-related conditions. ClinVar contains an entry for this variant (Variation ID: 44916). An algorithm developed to predict the effect of missense changes on protein structure and function (PolyPhen-2) suggests that this variant is likely to be disruptive. In summary, the available evidence is currently insufficient to determine the role of this variant in disease. Therefore, it has been classified as a Variant of Uncertain Significance.

All of Us Research Program, National Institutes of Health
Classification: Uncertain significance for Arrhythmogenic cardiomyopathy with wooly hair and keratoderma. Last evaluated: 2024-08-13. Review status: criteria provided, single submitter. Criteria: ACMG Guidelines, 2015. Collection method: clinical testing. Allele origin: germline. Inheritance: Autosomal dominant inheritance. Observed: 5 variant alleles, 5 heterozygotes.
Comment: This missense variant replaces threonine with isoleucine at codon 1524 of the DSP protein. Computational prediction suggests that this variant may not impact protein structure and function (internally defined REVEL score threshold <= 0.5, PMID: 27666373). To our knowledge, functional studies have not been reported for this variant. This variant has not been reported in individuals affected with cardiovascular disorders in the literature. This variant has not been identified in the general population by the Genome Aggregation Database (gnomAD). The available evidence is insufficient to determine the role of this variant in disease conclusively. Therefore, this variant is classified as a Variant of Uncertain Significance.

This study involves interpretation of variants in research participants for the purpose of population health screening. Participant phenotype was not available at the time of variant classification. Additional details can be found in publication PMID: 35346344, PMCID: PMC8962531

Color Diagnostics, LLC DBA Color Health
Classification: Uncertain significance for Cardiomyopathy. Last evaluated: 2024-03-06. Review status: criteria provided, single submitter. Criteria: ACMG Guidelines, 2015. Collection method: clinical testing. Allele origin: germline.
Comment: This missense variant replaces threonine with isoleucine at codon 1524 of the DSP protein. Computational prediction suggests that this variant may not impact protein structure and function (internally defined REVEL score threshold <= 0.5, PMID: 27666373). To our knowledge, functional studies have not been reported for this variant. This variant has not been reported in individuals affected with cardiovascular disorders in the literature. This variant has not been identified in the general population by the Genome Aggregation Database (gnomAD). The available evidence is insufficient to determine the role of this variant in disease conclusively. Therefore, this variant is classified as a Variant of Uncertain Significance.

Blueprint Genetics
Classification: Uncertain significance. Last evaluated: 2023-05-03. Review status: criteria provided, single submitter. Criteria: ACMG Guidelines, 2015. Collection method: clinical testing. Allele origin: germline.

Fulgent Genetics
Classification: Uncertain significance for Arrhythmogenic cardiomyopathy with wooly hair and keratoderma; Arrhythmogenic right ventricular dysplasia 8; Lethal acantholytic epidermolysis bullosa; Keratosis palmoplantaris striata 2; Cardiomyopathy, dilated, with wooly hair, keratoderma, and tooth agenesis. Last evaluated: 2021-07-12. Review status: criteria provided, single submitter. Criteria: ACMG Guidelines, 2015. Collection method: clinical testing. Allele origin: unknown.

CHEO Genetics Diagnostic Laboratory, Children's Hospital of Eastern Ontario
Classification: Uncertain significance for Cardiomyopathy. Last evaluated: 2016-05-16. Review status: criteria provided, single submitter. Criteria: ACMG Guidelines, 2015. Collection method: clinical testing. Allele origin: germline. Study: Canadian Open Genetics Repository.

Laboratory for Molecular Medicine, Mass General Brigham Personalized Medicine
Classification: Uncertain significance. Last evaluated: 2012-08-03. Review status: criteria provided, single submitter. Criteria: LMM Criteria. Collection method: clinical testing. Allele origin: germline. Observed: 1 variant allele.
Comment: Variant classified as Uncertain Significance - Favor Benign. The Thr1524Ile vari ant in DSP has not been reported in the literature nor previously identified by our laboratory. Threonine (Thr) at position 20734 is not conserved in mammals (m acaque and rabbit carry different variants), which raises the possibility that v ariation at this position may be tolerated. Computational analyses (biochemical amino acid properties, AlignGVGD, PolyPhen2, and SIFT) do not provide strong sup port for or against an impact to the protein. While the lack of conservation sug gests that this variant is more likely benign, it is insufficient to confidently rule out a disease-causing role. Additional information is needed to fully asse ss its clinical significance.

NM_004415.4(DSP):c.4571C>T (p.Thr1524Ile)

Gene: DSP (desmoplakin; plus strand). Cytogenetic location: 6p24.3.
Variant type: single nucleotide variant.
Coding change: c.4571C>T on transcript NM_004415.4 (MANE Select); coding-DNA position 4571, C replaced by T.
Protein change: p.Thr1524Ile; replaces threonine 1524 with isoleucine.
Molecular consequence: missense variant. On other transcripts: intron variant (2).
Genome position (GRCh38, 1-based): chr6:7,580,761, C>T. VCF-style: chr6-7580761-C-T. GRCh37 (hg19) VCF-style: chr6-7580994-C-T.
Other names: c.4050+521C>T (NM_001319034.2); c.3582+989C>T (NM_001008844.3); short protein forms T1524I.
Identifiers: ClinVar variation 44916 (VCV000044916.21), dbSNP rs397516941, ClinGen allele CA004542.